The following is an entry in ClinVar:

NM_001244008.2(KIF1A):c.1160G>T (p.Gly387Val)

Gene: KIF1A (kinesin family member 1A; minus strand). Cytogenetic location: 2q37.3.
Variant type: single nucleotide variant.
Coding change: c.1160G>T on transcript NM_001244008.2 (MANE Select); coding-DNA position 1160, G replaced by T.
Protein change: p.Gly387Val; replaces glycine 387 with valine.
Molecular consequence: missense variant.
Genome position (GRCh38, 1-based): chr2:240,773,134, C>A on the plus strand (G>T on the coding strand, the complement: KIF1A is on the minus strand). VCF-style: chr2-240773134-C-A. GRCh37 (hg19) VCF-style: chr2-241712551-C-A.
Other names: c.1160G>T, p.Gly387Val (NM_001320705.2, NM_001330289.2, NM_001330290.2 and 20 more transcripts); c.1160G>T (NM_004321.7); short protein forms G387V.
Identifiers: ClinVar variation 1431796 (VCV001431796.7), dbSNP rs868321329, ClinGen allele CA68128621.
Genomic context (GRCh38, chr2:240,773,134, plus strand): 5'-CCCACAACCCTGTCCAGGACAGGCTGGAGCAGGCACTCACTGTCAGTGATGTCGCCAAGA[C>A]CCTGGGCGTACAGAAGGTCCCGCAGCCGGGTCACCTCATCCTTCAGCTCGCGGATCAGCT-3'
Protein context (NP_001230937.1, residues 377-397): TRLRDLLYAQ[Gly387Val]LGDITDTNTV

ClinVar aggregate classification (germline): Uncertain significance. Review status: criteria provided, multiple submitters, no conflicts (2 of 4 stars). 2 submissions from 2 submitters: Uncertain significance (2). Last evaluated 2025-06-12.

Conditions:
Hereditary spastic paraplegia 30. Identifiers: Orphanet 101010, MedGen C5235139, MONDO:0012476.
Neuropathy, hereditary sensory, type 2C. Also called: Hereditary sensory and autonomic neuropathy type IIC; KIF1A-Related HSAN2 (HSAN2C). Identifiers: Orphanet 970, MedGen C3280168, MONDO:0013634, OMIM 614213.
Intellectual disability, autosomal dominant 9 (NESCAVS). Also called: NESCAV SYNDROME; KIF1A-Related Neurodevelopmental Disorder. Identifiers: Orphanet 662367, MedGen C5393830, MONDO:0013656, OMIM 614255.

Allele frequency attached by ClinVar (database versions not stated): gnomAD 0.00001; TOPMed 0.00001.
gnomAD v4.1: 1 of 1,613,406 alleles (0.000062%); highest among the groups gnomAD compares: African/African-American, 0.0013%; no homozygotes.

Submissions (2):

Revvity Omics, Revvity
Classification: Uncertain significance. Last evaluated: 2025-06-12. Review status: criteria provided, single submitter. Criteria: ACMG Guidelines, 2015. Collection method: clinical testing. Allele origin: germline.

Labcorp Genetics (formerly Invitae), Labcorp
Classification: Uncertain significance for Hereditary spastic paraplegia 30; Neuropathy, hereditary sensory, type 2C; Intellectual disability, autosomal dominant 9. Last evaluated: 2025-03-01. Review status: criteria provided, single submitter. Criteria: Invitae Variant Classification Sherloc (09022015). Collection method: clinical testing. Allele origin: germline.
Comment: This sequence change replaces glycine, which is neutral and non-polar, with valine, which is neutral and non-polar, at codon 387 of the KIF1A protein (p.Gly387Val). This variant is not present in population databases (gnomAD no frequency). This variant has not been reported in the literature in individuals affected with KIF1A-related conditions. ClinVar contains an entry for this variant (Variation ID: 1431796). Invitae Evidence Modeling of protein sequence and biophysical properties (such as structural, functional, and spatial information, amino acid conservation, physicochemical variation, residue mobility, and thermodynamic stability) indicates that this missense variant is expected to disrupt KIF1A protein function with a positive predictive value of 95%. In summary, the available evidence is currently insufficient to determine the role of this variant in disease. Therefore, it has been classified as a Variant of Uncertain Significance.